The following is an entry in ClinVar:

ClinVar aggregate classification (germline): Benign/Likely benign. Review status: criteria provided, multiple submitters, no conflicts (2 of 4 stars). 11 submissions from 11 submitters: Benign (8); Likely benign (1). 2 of the submissions do not count toward it. Last evaluated 2026-09-01.

Conditions:
Kabuki syndrome. Also called: NIIKAWA-KUROKI SYNDROME; Kabuki make-up syndrome. Identifiers: Orphanet 2322, MedGen C0796004, MONDO:0016512.

Allele frequency attached by ClinVar (database versions not stated): 1000 Genomes Project 0.00060; 1000 Genomes Project 30x 0.00078; gnomAD exomes 0.00202 and 0.00361; TOPMed 0.00213; gnomAD 0.00230 and 0.00238; ESP Exome Variant Server 0.00257; ExAC 0.00277.
gnomAD v4.1: 5,258 of 1,513,392 alleles (0.35%); highest among the groups gnomAD compares: Non-Finnish European, 0.44%; 14 homozygotes.

Submissions (15):

CeGaT Center for Human Genetics Tuebingen
Classification: Benign. Last evaluated: 2026-09-01. Review status: criteria provided, single submitter. Criteria: CeGaT Center For Human Genetics Tuebingen Variant Classification Criteria Version 2. Collection method: clinical testing. Allele origin: germline. Affected: yes. Observed: 28 variant alleles.
Comment: KMT2D: BP4, BP7, BS1, BS2

Labcorp Genetics (formerly Invitae), Labcorp
Classification: Benign for Kabuki syndrome. Last evaluated: 2026-02-04. Review status: criteria provided, single submitter. Criteria: Invitae Variant Classification Sherloc (09022015). Collection method: clinical testing. Allele origin: germline.

ARUP Laboratories, Molecular Genetics and Genomics, ARUP Laboratories
Classification: Benign. Last evaluated: 2024-10-30. Review status: criteria provided, single submitter. Criteria: ARUP Molecular Germline Variant Investigation Process 2024. Collection method: clinical testing. Allele origin: germline.

Blueprint Genetics
Classification: Likely benign. Last evaluated: 2024-10-17. Review status: criteria provided, single submitter. Criteria: ACMG Guidelines, 2015. Collection method: clinical testing. Allele origin: germline.

GeneDx
Classification: Benign. Last evaluated: 2019-04-11. Review status: criteria provided, single submitter. Criteria: GeneDx Variant Classification Process June 2021. Collection method: clinical testing. Allele origin: germline. Affected: yes.

Genetic Services Laboratory, University of Chicago
Classification: Benign. Last evaluated: 2017-11-13. Review status: criteria provided, single submitter. Criteria: ACMG Guidelines, 2015. Collection method: clinical testing. Allele origin: germline. Affected: no.

Athena Diagnostics
Classification: Benign. Last evaluated: 2017-03-06. Review status: criteria provided, single submitter. Criteria: Athena Diagnostics Criteria. Collection method: clinical testing. Allele origin: germline.

Eurofins Ntd Llc (ga)
Classification: Benign. Last evaluated: 2013-04-26. Review status: criteria provided, single submitter. Criteria: EGL Classification Definitions 2015. Collection method: clinical testing. Allele origin: germline. Observed: 1 variant allele, 1 heterozygote.

Breakthrough Genomics
Classification: Benign. Review status: criteria provided, single submitter. Criteria: ACMG Guidelines, 2015. Collection method: not provided. Allele origin: germline. Inheritance: Autosomal dominant inheritance. Affected: yes.

Clinical Genetics DNA and cytogenetics Diagnostics Lab, Erasmus MC, Erasmus Medical Center
Classification: Likely benign. Review status: no assertion criteria provided. Collection method: clinical testing. Allele origin: germline. Affected: yes. Study: VKGL Data-share Consensus. Not counted in ClinVar's aggregate classification.

Diagnostic Laboratory, Department of Genetics, University Medical Center Groningen
Classification: Likely benign. Review status: no assertion criteria provided. Collection method: clinical testing. Allele origin: germline. Affected: yes. Study: VKGL Data-share Consensus. Not counted in ClinVar's aggregate classification.

Dr. Peter K. Rogan Lab, Western University
No classification provided (evidence only). Condition: Clear cell carcinoma of kidney. Review status: no classification provided. Collection method: in vitro. Allele origin: not applicable. Functional consequence: retained intron. Not counted in ClinVar's aggregate classification.

Dr. Peter K. Rogan Lab, Western University
No classification provided (evidence only). Condition: Clear cell carcinoma of kidney. Review status: no classification provided. Collection method: in vitro. Allele origin: not applicable. Functional consequence: retained intron. Not counted in ClinVar's aggregate classification.

Dr. Peter K. Rogan Lab, Western University
No classification provided (evidence only). Condition: Thyroid cancer, nonmedullary, 1. Review status: no classification provided. Collection method: in vitro. Allele origin: not applicable. Functional consequence: retained intron. Not counted in ClinVar's aggregate classification.

Dr. Peter K. Rogan Lab, Western University
No classification provided (evidence only). Condition: Nonpapillary renal cell carcinoma. Review status: no classification provided. Collection method: in vitro. Allele origin: not applicable. Functional consequence: retained intron. Not counted in ClinVar's aggregate classification.

NM_003482.4(KMT2D):c.6573G>A (p.Thr2191=)

Gene: KMT2D (lysine methyltransferase 2D; minus strand). Cytogenetic location: 12q13.12.
Variant type: single nucleotide variant.
Coding change: c.6573G>A on transcript NM_003482.4 (MANE Select); coding-DNA position 6573, G replaced by A.
Protein change: p.Thr2191=; no amino-acid change (threonine 2191 retained).
Molecular consequence: synonymous variant.
Genome position (GRCh38, 1-based): chr12:49,041,197, C>T on the plus strand (G>A on the coding strand, the complement: KMT2D is on the minus strand). VCF-style: chr12-49041197-C-T. GRCh37 (hg19) VCF-style: chr12-49434980-C-T.
Identifiers: ClinVar variation 94238 (VCV000094238.52), dbSNP rs202085637, ClinGen allele CA147699.